The following is an entry in ClinVar:

NM_000152.5(GAA):c.1326+6T>C

Gene: GAA (alpha glucosidase; plus strand). Cytogenetic location: 17q25.3.
Variant type: single nucleotide variant.
Coding change: c.1326+6T>C on transcript NM_000152.5 (MANE Select); 6 bases into the intron after coding-DNA position 1326, T replaced by C.
Molecular consequence: intron variant.
Genome position (GRCh38, 1-based): chr17:80,108,834, T>C. VCF-style: chr17-80108834-T-C. GRCh37 (hg19) VCF-style: chr17-78082633-T-C.
Other names: c.1326+6T>C (NM_001079803.3, NM_001079804.3).
Identifiers: ClinVar variation 1484161 (VCV001484161.5), dbSNP rs1199225255, ClinGen allele CA628018501.

ClinVar aggregate classification (germline): Uncertain significance (1 of 4 stars; one submission).

Conditions:
Glycogen storage disease, type II (IOPD). Also called: POMPE DISEASE, INFANTILE-ONSET; GLYCOGEN STORAGE DISEASE II, INFANTILE-ONSET; ACID ALPHA-GLUCOSIDASE DEFICIENCY, INFANTILE-ONSET; GAA DEFICIENCY, INFANTILE-ONSET; ACID MALTASE DEFICIENCY, INFANTILE-ONSET; GLYCOGENOSIS, GENERALIZED, CARDIAC FORM. Identifiers: Orphanet 365, MedGen C0017921, MONDO:0009290, OMIM 232300.

Submission:

Labcorp Genetics (formerly Invitae), Labcorp
Classification: Uncertain significance for Glycogen storage disease, type II. Last evaluated: 2021-04-20. Review status: criteria provided, single submitter. Criteria: Invitae Variant Classification Sherloc (09022015). Collection method: clinical testing. Allele origin: germline.
Comment: This variant is not present in population databases (ExAC no frequency). This sequence change falls in intron 8 of the GAA gene. It does not directly change the encoded amino acid sequence of the GAA protein. It affects a nucleotide within the consensus splice site of the intron. This variant has not been reported in the literature in individuals with GAA-related conditions. Nucleotide substitutions within the consensus splice site are a relatively common cause of aberrant splicing (PMID: 17576681, 9536098). Algorithms developed to predict the effect of sequence changes on RNA splicing suggest that this variant may disrupt the consensus splice site, but this prediction has not been confirmed by published transcriptional studies. In summary, the available evidence is currently insufficient to determine the role of this variant in disease. Therefore, it has been classified as a Variant of Uncertain Significance.

Literature cited by the submitters: PubMed 17576681; PubMed 9536098.